The following is an entry in ClinVar:

ClinVar aggregate classification (germline): Conflicting classifications of pathogenicity. Review status: criteria provided, conflicting classifications (1 of 4 stars). 3 submissions from 3 submitters: Uncertain significance (2); Likely benign (1). Last evaluated 2026-01-13.

Conditions:
Hereditary cancer-predisposing syndrome. Also called: Hereditary Cancer Syndrome; Hereditary neoplastic syndrome; Neoplastic Syndromes, Hereditary; Tumor predisposition. Identifiers: Orphanet 140162, MedGen C0027672, MeSH D009386, MONDO:0015356.

Allele frequency attached by ClinVar (database versions not stated): ExAC 0.00001; gnomAD exomes 0.00001 and 0.00002.
gnomAD v4.1: 14 of 1,613,900 alleles (0.00087%); highest among the groups gnomAD compares: East Asian, 0.031%; no homozygotes.

Submissions (3):

Labcorp Genetics (formerly Invitae), Labcorp
Classification: Uncertain significance. Last evaluated: 2026-01-13. Review status: criteria provided, single submitter. Criteria: Invitae Variant Classification Sherloc (09022015). Collection method: clinical testing. Allele origin: germline.
Comment: This sequence change replaces alanine, which is neutral and non-polar, with threonine, which is neutral and polar, at codon 1778 of the POLE protein (p.Ala1778Thr). This variant is present in population databases (rs755346486, gnomAD 0.02%). This variant has not been reported in the literature in individuals affected with POLE-related conditions. ClinVar contains an entry for this variant (Variation ID: 405773). Invitae Evidence Modeling of protein sequence and biophysical properties (such as structural, functional, and spatial information, amino acid conservation, physicochemical variation, residue mobility, and thermodynamic stability) indicates that this missense variant is not expected to disrupt POLE protein function with a negative predictive value of 80%. In summary, the available evidence is currently insufficient to determine the role of this variant in disease. Therefore, it has been classified as a Variant of Uncertain Significance.

Ambry Genetics
Classification: Likely benign for Hereditary cancer-predisposing syndrome. Last evaluated: 2024-03-28. Review status: criteria provided, single submitter. Criteria: Ambry Variant Classification Scheme 2023. Collection method: clinical testing. Allele origin: germline.

GeneDx
Classification: Uncertain significance. Last evaluated: 2019-12-13. Review status: criteria provided, single submitter. Criteria: GeneDx Variant Classification Process June 2021. Collection method: clinical testing. Allele origin: germline. Affected: yes.
Comment: In silico analysis, which includes protein predictors and evolutionary conservation, supports that this variant does not alter protein structure/function; Observed in individuals with advanced cancer (Mandelker 2017); This variant is associated with the following publications: (PMID: 28873162)

NM_006231.4(POLE):c.5332G>A (p.Ala1778Thr)

Gene: POLE (DNA polymerase epsilon, catalytic subunit; minus strand). Cytogenetic location: 12q24.33.
Variant type: single nucleotide variant.
Coding change: c.5332G>A on transcript NM_006231.4 (MANE Select); coding-DNA position 5332, G replaced by A.
Protein change: p.Ala1778Thr; replaces alanine 1778 with threonine.
Molecular consequence: missense variant.
Genome position (GRCh38, 1-based): chr12:132,641,693, C>T on the plus strand (G>A on the coding strand, the complement: POLE is on the minus strand). VCF-style: chr12-132641693-C-T. GRCh37 (hg19) VCF-style: chr12-133218279-C-T.
Other names: c.5332G>A (NM_006231.2); short protein forms A1778T.
Identifiers: ClinVar variation 405773 (VCV000405773.12), dbSNP rs755346486, ClinGen allele CA6892567.